The following is an entry in ClinVar:

ClinVar aggregate classification (germline): Benign. Review status: criteria provided, multiple submitters, no conflicts (2 of 4 stars). 3 submissions from 3 submitters: Benign (3). Last evaluated 2026-01-24.

Allele frequency attached by ClinVar (database versions not stated): gnomAD 0.02396 and 0.02488; ExAC 0.02615; 1000 Genomes Project 0.01298; 1000 Genomes Project 30x 0.01359; gnomAD exomes 0.02263; ESP Exome Variant Server 0.02334.
gnomAD v4.1: 45,859 of 1,600,946 alleles (2.9%); highest among the groups gnomAD compares: Non-Finnish European, 3.3%; 740 homozygotes.

Submissions (3):

Labcorp Genetics (formerly Invitae), Labcorp
Classification: Benign. Last evaluated: 2026-01-24. Review status: criteria provided, single submitter. Criteria: Invitae Variant Classification Sherloc (09022015). Collection method: clinical testing. Allele origin: germline.

Mayo Clinic Laboratories, Mayo Clinic
Classification: Benign. Last evaluated: 2023-08-14. Review status: criteria provided, single submitter. Criteria: ACMG Guidelines, 2015. Collection method: clinical testing. Allele origin: germline. Observed: 7 variant alleles.
Comment: BS1, BS2, BP4

Breakthrough Genomics
Classification: Benign. Review status: criteria provided, single submitter. Criteria: ACMG Guidelines, 2015. Collection method: not provided. Allele origin: germline. Inheritance: Autosomal recessive inheritance. Affected: yes.

NM_005560.6(LAMA5):c.4999C>T (p.Arg1667Trp)

Gene: LAMA5 (laminin subunit alpha 5; minus strand). Cytogenetic location: 20q13.33.
Variant type: single nucleotide variant.
Coding change: c.4999C>T on transcript NM_005560.6 (MANE Select); coding-DNA position 4999, C replaced by T.
Protein change: p.Arg1667Trp; replaces arginine 1667 with tryptophan.
Molecular consequence: missense variant.
Genome position (GRCh38, 1-based): chr20:62,327,346, G>A on the plus strand (C>T on the coding strand, the complement: LAMA5 is on the minus strand). VCF-style: chr20-62327346-G-A. GRCh37 (hg19) VCF-style: chr20-60902402-G-A.
Other names: p.Arg1667Trp; short protein forms R1667W.
Identifiers: ClinVar variation 1612531 (VCV001612531.10), dbSNP rs13039398, ClinGen allele CA9942381.